The following is an entry in ClinVar:

NM_005633.4(SOS1):c.1487T>C (p.Met496Thr)

Gene: SOS1 (SOS Ras/Rac guanine nucleotide exchange factor 1; minus strand). Cytogenetic location: 2p22.1.
Variant type: single nucleotide variant.
Coding change: c.1487T>C on transcript NM_005633.4 (MANE Select); coding-DNA position 1487, T replaced by C.
Protein change: p.Met496Thr; replaces methionine 496 with threonine.
Molecular consequence: missense variant.
Genome position (GRCh38, 1-based): chr2:39,022,941, A>G on the plus strand (T>C on the coding strand, the complement: SOS1 is on the minus strand). VCF-style: chr2-39022941-A-G. GRCh37 (hg19) VCF-style: chr2-39250082-A-G.
Other names: c.1466T>C, p.Met489Thr (NM_001382394.1); c.1487T>C, p.Met496Thr (NM_001382395.1); short protein forms M489T, M496T.
Identifiers: ClinVar variation 5020601 (VCV005020601.1).

ClinVar aggregate classification (germline): Uncertain significance (1 of 4 stars; one submission).

Submission:

Dasa
Classification: Uncertain significance. Last evaluated: 2026-05-08. Review status: criteria provided, single submitter. Criteria: DASA Assertion Criteria. Collection method: clinical testing. Allele origin: germline.
Comment: NM_005633.4(SOS1):c.1487T>C (p.Met496Thr) is a missense variant that results in the substitution of methionine with threonine. The affected residue or protein region has prior evidence supporting clinical relevance. This variant is rare in population databases. Computational prediction algorithms are consistent with a deleterious effect. The currently available literature and clinical evidence are not sufficient to establish a definitive association between this variant and the reported condition. Therefore, this variant is classified as a variant of uncertain significance.